The following is an entry in ClinVar:

NM_002972.4(SBF1):c.3766G>A (p.Ala1256Thr)

Gene: SBF1 (SET binding factor 1; minus strand). Cytogenetic location: 22q13.33.
Variant type: single nucleotide variant.
Coding change: c.3766G>A on transcript NM_002972.4 (MANE Select); coding-DNA position 3766, G replaced by A.
Protein change: p.Ala1256Thr; replaces alanine 1256 with threonine.
Molecular consequence: missense variant.
Genome position (GRCh38, 1-based): chr22:50,459,315, C>T on the plus strand (G>A on the coding strand, the complement: SBF1 is on the minus strand). VCF-style: chr22-50459315-C-T. GRCh37 (hg19) VCF-style: chr22-50897744-C-T.
Other names: c.3769G>A, p.Ala1257Thr (NM_001365819.1); short protein forms A1256T, A1257T.
Identifiers: ClinVar variation 422149 (VCV000422149.14), dbSNP rs374895065, ClinGen allele CA10316578.

ClinVar aggregate classification (germline): Uncertain significance. Review status: criteria provided, multiple submitters, no conflicts (2 of 4 stars). 5 submissions from 5 submitters: Uncertain significance (5). Last evaluated 2023-03-20.

Allele frequency attached by ClinVar (database versions not stated): gnomAD 0.00005 and 0.00004; gnomAD exomes 0.00006; TOPMed 0.00006; ExAC 0.00008; ESP Exome Variant Server 0.00016.
gnomAD v4.1: 138 of 1,612,550 alleles (0.0086%); highest among the groups gnomAD compares: Middle Eastern, 0.016%; 1 homozygote.

Submissions (5):

Ambry Genetics
Classification: Uncertain significance. Last evaluated: 2023-03-20. Review status: criteria provided, single submitter. Criteria: Ambry Variant Classification Scheme 2023. Collection method: clinical testing. Allele origin: germline.

Labcorp Genetics (formerly Invitae), Labcorp
Classification: Uncertain significance. Last evaluated: 2022-08-09. Review status: criteria provided, single submitter. Criteria: Invitae Variant Classification Sherloc (09022015). Collection method: clinical testing. Allele origin: germline.
Comment: This sequence change replaces alanine, which is neutral and non-polar, with threonine, which is neutral and polar, at codon 1256 of the SBF1 protein (p.Ala1256Thr). This variant is present in population databases (rs374895065, gnomAD 0.02%). This variant has not been reported in the literature in individuals affected with SBF1-related conditions. ClinVar contains an entry for this variant (Variation ID: 422149). Algorithms developed to predict the effect of missense changes on protein structure and function (SIFT, PolyPhen-2, Align-GVGD) all suggest that this variant is likely to be tolerated. In summary, the available evidence is currently insufficient to determine the role of this variant in disease. Therefore, it has been classified as a Variant of Uncertain Significance.

Mayo Clinic Laboratories, Mayo Clinic
Classification: Uncertain significance. Last evaluated: 2019-11-11. Review status: criteria provided, single submitter. Criteria: ACMG Guidelines, 2015. Collection method: clinical testing. Allele origin: germline. Observed: 1 variant allele.

GeneDx
Classification: Uncertain significance. Last evaluated: 2016-09-15. Review status: criteria provided, single submitter. Criteria: GeneDx Variant Classification (06012015). Collection method: clinical testing. Allele origin: germline. Affected: yes.
Comment: The A1256T variant in the SBF1 gene has not been reported previously as a pathogenic variant, nor as a benignvariant, to our knowledge. The A1256T variant was not observed at a significant frequency in approximately 6300individuals of European and African American ancestry in the NHLBI Exome Sequencing Project, indicating it is nota common benign variant in these populations. The A1256T variant is a non-conservative amino acid substitution,which is likely to impact secondary protein structure as these residues differ in polarity, charge, size and/or otherproperties. This substitution occurs at a position that is conserved in mammals. In silico analysis is inconsistent inits predictions as to whether or not the variant is damaging to the protein structure/function. We interpret A1256T asa variant of uncertain significance.

Breakthrough Genomics
Classification: Uncertain significance. Review status: criteria provided, single submitter. Criteria: ACMG Guidelines, 2015. Collection method: not provided. Allele origin: germline. Inheritance: Autosomal dominant inheritance. Affected: yes.